The following is an entry in ClinVar:

NM_000252.3(MTM1):c.1525T>C (p.Phe509Leu)

Gene: MTM1 (myotubularin 1; plus strand). Cytogenetic location: Xq28.
Variant type: single nucleotide variant.
Coding change: c.1525T>C on transcript NM_000252.3 (MANE Select); coding-DNA position 1525, T replaced by C.
Protein change: p.Phe509Leu; replaces phenylalanine 509 with leucine.
Molecular consequence: missense variant.
Genome position (GRCh38, 1-based): chrX:150,663,490, T>C. VCF-style: chrX-150663490-T-C. GRCh37 (hg19) VCF-style: chrX-149831963-T-C.
Other names: c.1525T>C, p.Phe509Leu (NM_001376906.1, NM_001376908.1); c.1414T>C, p.Phe472Leu (NM_001376907.1); short protein forms F509L, F472L.
Identifiers: ClinVar variation 1511040 (VCV001511040.6), dbSNP rs2040257723, ClinGen allele CA415260142.

ClinVar aggregate classification (germline): Uncertain significance (1 of 4 stars; one submission).

Conditions:
Severe X-linked myotubular myopathy (CNMX). Also called: MYOTUBULAR MYOPATHY 1; X-linked centronuclear myopathy; Myotubular myopathy, X-linked. Identifiers: Orphanet 596, MedGen C0410203, MONDO:0010683, OMIM 310400.

Submission:

Labcorp Genetics (formerly Invitae), Labcorp
Classification: Uncertain significance for Severe X-linked myotubular myopathy. Last evaluated: 2022-02-08. Review status: criteria provided, single submitter. Criteria: Invitae Variant Classification Sherloc (09022015). Collection method: clinical testing. Allele origin: germline.
Comment: This variant has not been reported in the literature in individuals affected with MTM1-related conditions. This variant is not present in population databases (gnomAD no frequency). This sequence change replaces phenylalanine, which is neutral and non-polar, with leucine, which is neutral and non-polar, at codon 509 of the MTM1 protein (p.Phe509Leu). Algorithms developed to predict the effect of missense changes on protein structure and function are either unavailable or do not agree on the potential impact of this missense change (SIFT: "Deleterious"; PolyPhen-2: "Benign"; Align-GVGD: "Class C0"). In summary, the available evidence is currently insufficient to determine the role of this variant in disease. Therefore, it has been classified as a Variant of Uncertain Significance.